The following is an entry in ClinVar:

NM_001143986.2(TLE6):c.1158T>C (p.Asp386=)

Gene: TLE6 (TLE family member 6, subcortical maternal complex member; plus strand). Cytogenetic location: 19p13.3.
Variant type: single nucleotide variant.
Coding change: c.1158T>C on transcript NM_001143986.2 (MANE Select); coding-DNA position 1158, T replaced by C.
Protein change: p.Asp386=; no amino-acid change (aspartic acid 386 retained).
Molecular consequence: synonymous variant.
Genome position (GRCh38, 1-based): chr19:2,989,699, T>C. VCF-style: chr19-2989699-T-C. GRCh37 (hg19) VCF-style: chr19-2989697-T-C.
Other names: c.789T>C, p.Asp263= (NM_024760.3).
Identifiers: ClinVar variation 3057162 (VCV003057162.2), dbSNP rs6510730, ClinGen allele CA9072975.

ClinVar aggregate classification (germline): Benign (0 of 4 stars; one submission).

Conditions:
TLE6-related disorder. Also called: TLE6-related condition.

Allele frequency attached by ClinVar (database versions not stated): ExAC 0.25635; gnomAD exomes 0.26569; 1000 Genomes Project 0.29593; 1000 Genomes Project 30x 0.30809; gnomAD 0.34718; TOPMed 0.36126; ESP Exome Variant Server 0.38974.
gnomAD v4.1: 441,882 of 1,613,972 alleles (27%); highest among the groups gnomAD compares: African/African-American, 61%; 68,142 homozygotes.

Submission:

PreventionGenetics, part of Exact Sciences
Classification: Benign for TLE6-related condition. Last evaluated: 2019-10-28. Review status: no assertion criteria provided. Collection method: clinical testing. Allele origin: germline.
Comment: This variant is classified as benign based on ACMG/AMP sequence variant interpretation guidelines (Richards et al. 2015 PMID: 25741868, with internal and published modifications).